The following is an entry in ClinVar:

ClinVar aggregate classification (germline): Uncertain significance (1 of 4 stars; one submission).

Conditions:
Bethlem myopathy 1A. Also called: MYOPATHY, BENIGN CONGENITAL, WITH CONTRACTURES; Bethlem myopathy 1; Bethlem Muscular Dystrophy. Identifiers: Orphanet 610, MedGen CN029274, MONDO:0024530, OMIM 158810.

gnomAD v4.1: 8 of 1,612,410 alleles (0.0005%); highest among the groups gnomAD compares: South Asian, 0.0011%; no homozygotes.

Submission:

Labcorp Genetics (formerly Invitae), Labcorp
Classification: Uncertain significance for Bethlem myopathy 1A. Last evaluated: 2026-01-08. Review status: criteria provided, single submitter. Criteria: Invitae Variant Classification Sherloc (09022015). Collection method: clinical testing. Allele origin: germline.
Comment: This sequence change replaces aspartic acid, which is acidic and polar, with tyrosine, which is neutral and polar, at codon 374 of the COL6A2 protein (p.Asp374Tyr). This variant is present in population databases (no rsID available, gnomAD 0.0008%). This variant has not been reported in the literature in individuals affected with COL6A2-related conditions. Invitae Evidence Modeling of protein sequence and biophysical properties (such as structural, functional, and spatial information, amino acid conservation, physicochemical variation, residue mobility, and thermodynamic stability) indicates that this missense variant is not expected to disrupt COL6A2 protein function with a negative predictive value of 80%. In summary, the available evidence is currently insufficient to determine the role of this variant in disease. Therefore, it has been classified as a Variant of Uncertain Significance.

NM_001849.4(COL6A2):c.1120G>T (p.Asp374Tyr)

Gene: COL6A2 (collagen type VI alpha 2 chain; plus strand). Cytogenetic location: 21q22.3.
Variant type: single nucleotide variant.
Coding change: c.1120G>T on transcript NM_001849.4 (MANE Select); coding-DNA position 1120, G replaced by T.
Protein change: p.Asp374Tyr; replaces aspartic acid 374 with tyrosine.
Molecular consequence: missense variant.
Genome position (GRCh38, 1-based): chr21:46,118,617, G>T. VCF-style: chr21-46118617-G-T. GRCh37 (hg19) VCF-style: chr21-47538531-G-T.
Other names: c.1120G>T, p.Asp374Tyr (NM_058174.3, NM_058175.3); short protein forms D374Y.
Identifiers: ClinVar variation 4694360 (VCV004694360.1).
Genomic context (GRCh38, chr21:46,118,617, plus strand): 5'-CCTGCACCCCCCTTCCCCTGCCAAAAGACGTGAGGCTGATTCTGCAAACCCTTCCAGGGG[G>T]ACCCTGGCCGCCCAGGACGCAGAGGGCCCCCGGGAGAAATCGGGGCCAAGGGAAGCAAGG-3'
Protein context (NP_001840.3, residues 364-384): GERGDQGGKG[Asp374Tyr]PGRPGRRGPP